The following is an entry in ClinVar:

ClinVar aggregate classification (germline): Uncertain significance (1 of 4 stars; one submission).

gnomAD v4.1: 8 of 1,585,350 alleles (0.0005%); highest among the groups gnomAD compares: South Asian, 0.0066%; no homozygotes.

Submission:

Mayo Clinic Laboratories, Mayo Clinic
Classification: Uncertain significance. Last evaluated: 2025-10-20. Review status: criteria provided, single submitter. Criteria: ACMG Guidelines, 2015. Collection method: clinical testing. Allele origin: germline. Observed: 1 variant allele.
Comment: PP3, PM2_supporting

NM_000492.4(CFTR):c.1196C>G (p.Ala399Gly)

Gene: CFTR (CF transmembrane conductance regulator; plus strand). Cytogenetic location: 7q31.2.
Variant type: single nucleotide variant.
Coding change: c.1196C>G on transcript NM_000492.4 (MANE Select); coding-DNA position 1196, C replaced by G.
Protein change: p.Ala399Gly; replaces alanine 399 with glycine.
Molecular consequence: missense variant.
Genome position (GRCh38, 1-based): chr7:117,542,095, C>G. VCF-style: chr7-117542095-C-G. GRCh37 (hg19) VCF-style: chr7-117182149-C-G.
Other names: p.Ala399Gly; short protein forms A399G.
Identifiers: ClinVar variation 4541327 (VCV004541327.1).